The following is an entry in ClinVar:

NM_019842.4(KCNQ5):c.2016C>G (p.Asn672Lys)

Gene: KCNQ5 (potassium voltage-gated channel subfamily Q member 5; plus strand). Cytogenetic location: 6q13.
Variant type: single nucleotide variant.
Coding change: c.2016C>G on transcript NM_019842.4 (MANE Select); coding-DNA position 2016, C replaced by G.
Protein change: p.Asn672Lys; replaces asparagine 672 with lysine.
Molecular consequence: missense variant.
Genome position (GRCh38, 1-based): chr6:73,194,631, C>G. VCF-style: chr6-73194631-C-G. GRCh37 (hg19) VCF-style: chr6-73904354-C-G.
Other names: c.2073C>G (NM_001160133.1); c.1989C>G, p.Asn663Lys (NM_001160130.2); c.2046C>G, p.Asn682Lys (NM_001160132.2); c.2073C>G, p.Asn691Lys (NM_001160133.2); c.1686C>G, p.Asn562Lys (NM_001160134.2); short protein forms N562K, N663K, N672K, N682K, N691K.
Identifiers: ClinVar variation 1537722 (VCV001537722.10), dbSNP rs138731994, ClinGen allele CA3887188.

ClinVar aggregate classification (germline): Benign/Likely benign. Review status: criteria provided, multiple submitters, no conflicts (2 of 4 stars). 3 submissions from 3 submitters: Benign (1); Likely benign (2). Last evaluated 2025-04-20.

Conditions:
KCNQ5-related disorder. Also called: KCNQ5-related condition.
Inborn genetic diseases. Identifiers: MedGen C0950123, MeSH D030342.

Allele frequency attached by ClinVar (database versions not stated): ExAC 0.00002; gnomAD 0.00003; gnomAD exomes 0.00003 and 0.00007; TOPMed 0.00003; ESP Exome Variant Server 0.00008.
gnomAD v4.1: 101 of 1,614,104 alleles (0.0063%); highest among the groups gnomAD compares: Non-Finnish European, 0.0084%; no homozygotes.

Submissions (3):

PreventionGenetics, part of Exact Sciences
Classification: Likely benign for KCNQ5-related condition. Last evaluated: 2025-04-20. Review status: criteria provided, single submitter. Criteria: ACMG Guidelines, 2015. Collection method: clinical testing. Allele origin: germline.
Comment: This variant is classified as likely benign based on ACMG/AMP sequence variant interpretation guidelines (Richards et al. 2015 PMID: 25741868, with internal and published modifications).

Labcorp Genetics (formerly Invitae), Labcorp
Classification: Benign. Last evaluated: 2024-12-28. Review status: criteria provided, single submitter. Criteria: Invitae Variant Classification Sherloc (09022015). Collection method: clinical testing. Allele origin: germline.

Ambry Genetics
Classification: Likely benign for Inborn genetic diseases. Last evaluated: 2023-12-28. Review status: criteria provided, single submitter. Criteria: Ambry Variant Classification Scheme 2023. Collection method: clinical testing. Allele origin: germline.